The following is an entry in ClinVar:

NM_014727.3(KMT2B):c.7318G>A (p.Glu2440Lys)

Gene: KMT2B (lysine methyltransferase 2B; plus strand). Cytogenetic location: 19q13.12.
Variant type: single nucleotide variant.
Coding change: c.7318G>A on transcript NM_014727.3 (MANE Select); coding-DNA position 7318, G replaced by A.
Protein change: p.Glu2440Lys; replaces glutamic acid 2440 with lysine.
Molecular consequence: missense variant.
Genome position (GRCh38, 1-based): chr19:35,736,932, G>A. VCF-style: chr19-35736932-G-A. GRCh37 (hg19) VCF-style: chr19-36227833-G-A.
Other names: short protein forms E2440K.
Identifiers: ClinVar variation 1937393 (VCV001937393.6), dbSNP rs763845425, ClinGen allele CA405435928.

ClinVar aggregate classification (germline): Uncertain significance. Review status: criteria provided, multiple submitters, no conflicts (2 of 4 stars). 2 submissions from 2 submitters: Uncertain significance (2). Last evaluated 2022-09-07.

Allele frequency attached by ClinVar (database versions not stated): gnomAD exomes below 0.00001; TOPMed below 0.00001.
gnomAD v4.1: 5 of 1,613,906 alleles (0.00031%); highest among the groups gnomAD compares: Non-Finnish European, 0.00042%; no homozygotes.

Submissions (2):

Labcorp Genetics (formerly Invitae), Labcorp
Classification: Uncertain significance. Last evaluated: 2022-09-07. Review status: criteria provided, single submitter. Criteria: Invitae Variant Classification Sherloc (09022015). Collection method: clinical testing. Allele origin: germline.
Comment: Algorithms developed to predict the effect of missense changes on protein structure and function are either unavailable or do not agree on the potential impact of this missense change (SIFT: "Deleterious"; PolyPhen-2: "Not Available"; Align-GVGD: "Class C0"). This variant has not been reported in the literature in individuals affected with KMT2B-related conditions. This variant is not present in population databases (gnomAD no frequency). This sequence change replaces glutamic acid, which is acidic and polar, with lysine, which is basic and polar, at codon 2440 of the KMT2B protein (p.Glu2440Lys). In summary, the available evidence is currently insufficient to determine the role of this variant in disease. Therefore, it has been classified as a Variant of Uncertain Significance.

Blueprint Genetics
Classification: Uncertain significance. Last evaluated: 2022-09-02. Review status: criteria provided, single submitter. Criteria: ACMG Guidelines, 2015. Collection method: clinical testing. Allele origin: germline.